The following is an entry in ClinVar:

NM_030662.4(MAP2K2):c.303+12G>A

Gene: MAP2K2 (mitogen-activated protein kinase kinase 2; minus strand). Cytogenetic location: 19p13.3.
Variant type: single nucleotide variant.
Coding change: c.303+12G>A on transcript NM_030662.4 (MANE Select); 12 bases into the intron after coding-DNA position 303, G replaced by A.
Molecular consequence: intron variant.
Genome position (GRCh38, 1-based): chr19:4,117,407, C>T on the plus strand (G>A on the coding strand, the complement: MAP2K2 is on the minus strand). VCF-style: chr19-4117407-C-T. GRCh37 (hg19) VCF-style: chr19-4117405-C-T.
Identifiers: ClinVar variation 46233 (VCV000046233.13), dbSNP rs376432107, ClinGen allele CA137931.

ClinVar aggregate classification (germline): Benign/Likely benign. Review status: criteria provided, multiple submitters, no conflicts (2 of 4 stars). 5 submissions from 5 submitters: Benign (2); Likely benign (3). Last evaluated 2026-01-14.

Conditions:
RASopathy. Also called: rasopathies; Noonan spectrum disorder. Identifiers: Orphanet 536391, MedGen C5555857, MONDO:0021060.

Allele frequency attached by ClinVar (database versions not stated): gnomAD exomes 0.00003 and 0.00006; ExAC 0.00010; gnomAD 0.00026 and 0.00030; ESP Exome Variant Server 0.00031; TOPMed 0.00036.
gnomAD v4.1: 90 of 1,611,732 alleles (0.0056%); highest among the groups gnomAD compares: African/African-American, 0.068%; 1 homozygote.

Submissions (5):

Labcorp Genetics (formerly Invitae), Labcorp
Classification: Likely benign for RASopathy. Last evaluated: 2026-01-14. Review status: criteria provided, single submitter. Criteria: Invitae Variant Classification Sherloc (09022015). Collection method: clinical testing. Allele origin: germline.

Blueprint Genetics
Classification: Likely benign. Last evaluated: 2024-10-18. Review status: criteria provided, single submitter. Criteria: ACMG Guidelines, 2015. Collection method: clinical testing. Allele origin: germline.

Women's Health and Genetics/Laboratory Corporation of America, LabCorp
Classification: Benign. Last evaluated: 2020-04-13. Review status: criteria provided, single submitter. Criteria: LabCorp Variant Classification Summary - May 2015. Collection method: clinical testing. Allele origin: germline.
Comment: Variant summary: MAP2K2 c.303+12G>A alters a non-conserved nucleotide located close to a canonical splice site and therefore could affect mRNA splicing, leading to a significantly altered protein sequence. 4/4 computational tools predict no significant impact on normal splicing. However, these predictions have yet to be confirmed by functional studies. The variant allele was found at a frequency of 6e-05 in 249174 control chromosomes in the gnomAD database, including 1 homozygote. The observed variant frequency is approximately 24 fold of the estimated maximal expected allele frequency for a pathogenic variant in MAP2K2 causing Noonan Syndrome And Related Conditions phenotype (2.5e-06), strongly suggesting that the variant is benign. To our knowledge, no occurrence of c.303+12G>A in individuals affected with Noonan Syndrome And Related Conditions and no experimental evidence demonstrating its impact on protein function have been reported. One clinical diagnostic laboratory has submitted clinical-significance assessments for this variant to ClinVar after 2014 without evidence for independent evaluation. One laboratory classified the variant as benign. Based on the evidence outlined above, the variant was classified as benign.

GeneDx
Classification: Benign. Last evaluated: 2017-04-03. Review status: criteria provided, single submitter. Criteria: GeneDx Variant Classification (06012015). Collection method: clinical testing. Allele origin: germline. Affected: yes.
Comment: This variant is considered likely benign or benign based on one or more of the following criteria: it is a conservative change, it occurs at a poorly conserved position in the protein, it is predicted to be benign by multiple in silico algorithms, and/or has population frequency not consistent with disease.

Laboratory for Molecular Medicine, Mass General Brigham Personalized Medicine
Classification: Likely benign. Last evaluated: 2012-11-20. Review status: criteria provided, single submitter. Criteria: LMM Criteria. Collection method: clinical testing. Allele origin: germline. Observed: 2 variant alleles.
Comment: 303+12G>A in intron 2 of MAP2K2: This variant is not expected to have clinical s ignificance because it is not located within the splice consensus sequence. It h as been identified in 0.09% (4/4406) of African American chromosomes from a broa d population by the NHLBI Exome Sequencing Project (/EVS).